The following is an entry in ClinVar:

NM_001100.4(ACTA1):c.763G>C (p.Glu255Gln)

Gene: ACTA1 (actin alpha 1, skeletal muscle; minus strand). Cytogenetic location: 1q42.13.
Variant type: single nucleotide variant.
Coding change: c.763G>C on transcript NM_001100.4 (MANE Select); coding-DNA position 763, G replaced by C.
Protein change: p.Glu255Gln; replaces glutamic acid 255 with glutamine.
Molecular consequence: missense variant.
Genome position (GRCh38, 1-based): chr1:229,432,039, C>G on the plus strand (G>C on the coding strand, the complement: ACTA1 is on the minus strand). VCF-style: chr1-229432039-C-G. GRCh37 (hg19) VCF-style: chr1-229567786-C-G.
Other names: short protein forms E255Q.
Identifiers: ClinVar variation 3233275 (VCV003233275.3), dbSNP rs1659954132.
Genomic context (GRCh38, chr1:229,432,039, plus strand): 5'-GCGAGCGGGGCTCACCGATGAAGGAGGGCTGGAAGAGCGTCTCCGGGCAGCGGAAGCGCT[C>G]GTTGCCGATGGTGATGACCTGCCCGTCTGGCAGCTCGTAGCTCTTTTCCAGGGAGGAGGA-3'
Protein context (NP_001091.1, residues 245-265): PDGQVITIGN[Glu255Gln]RFRCPETLFQ

ClinVar aggregate classification (germline): Likely pathogenic. Review status: criteria provided, multiple submitters, no conflicts (2 of 4 stars). 2 submissions from 2 submitters: Likely pathogenic (2). Last evaluated 2026-06-03.

Conditions:
Nemaline myopathy. Also called: Myopathies, Nemaline. Identifiers: Orphanet 607, MedGen C0206157, MONDO:0018958.
Actin accumulation myopathy (CMYO2A). Also called: CONGENITAL MYOPATHY 2A, TYPICAL, AUTOSOMAL DOMINANT; Myopathy, actin, congenital, with cores; Nemaline myopathy 3, with intranuclear rods; Nemaline myopathy type 3; Myopathy, actin, congenital, with excess of thin myofilaments. Identifiers: Orphanet 98904, MedGen C3711389, MONDO:0008070, OMIM 161800.

Submissions (2):

Clinical Genetics and Genomics, Karolinska University Hospital
Classification: Likely pathogenic for Actin accumulation myopathy. Last evaluated: 2026-06-03. Review status: criteria provided, single submitter. Criteria: ACMG Guidelines, 2015. Collection method: clinical testing. Allele origin: germline. Inheritance: Autosomal dominant inheritance. Affected: yes.

Muscle and Diseases Team, Institut de Génétique et Biologie Moléculaire et Cellulaire
Classification: Likely pathogenic for Nemaline myopathy. Last evaluated: 2024-03-01. Review status: criteria provided, single submitter. Criteria: ACMG Guidelines, 2015. Collection method: research. Allele origin: unknown. Affected: yes. Observed: 1 variant allele.
Comment: PM1+PM2+PM5+PM6+PP2+PP3

Literature cited by the submitters: DOI 10.1186/s13073-024-01353-0 (cited by Muscle and Diseases Team, Institut de Génétique et Biologie Moléculaire et Cellulaire).